The following is an entry in ClinVar:

NM_002972.4(SBF1):c.2982C>T (p.Ala994=)

Gene: SBF1 (SET binding factor 1; minus strand). Cytogenetic location: 22q13.33.
Variant type: single nucleotide variant.
Coding change: c.2982C>T on transcript NM_002972.4 (MANE Select); coding-DNA position 2982, C replaced by T.
Protein change: p.Ala994=; no amino-acid change (alanine 994 retained).
Molecular consequence: synonymous variant.
Genome position (GRCh38, 1-based): chr22:50,460,698, G>A on the plus strand (C>T on the coding strand, the complement: SBF1 is on the minus strand). VCF-style: chr22-50460698-G-A. GRCh37 (hg19) VCF-style: chr22-50899127-G-A.
Other names: c.2985C>T, p.Ala995= (NM_001365819.1).
Identifiers: ClinVar variation 618356 (VCV000618356.20), dbSNP rs571868041, ClinGen allele CA10316928.

ClinVar aggregate classification (germline): Likely benign. Review status: criteria provided, multiple submitters, no conflicts (2 of 4 stars). 4 submissions from 4 submitters: Likely benign (4). Last evaluated 2025-10-01.

Allele frequency attached by ClinVar (database versions not stated): gnomAD exomes 0.00008 and 0.00002; 1000 Genomes Project 30x 0.00016; 1000 Genomes Project 0.00020; gnomAD 0.00004 and 0.00005; ExAC 0.00006; TOPMed 0.00007.
gnomAD v4.1: 37 of 1,613,174 alleles (0.0023%); highest among the groups gnomAD compares: Admixed American, 0.05%; no homozygotes.

Submissions (4):

CeGaT Center for Human Genetics Tuebingen
Classification: Likely benign. Last evaluated: 2025-10-01. Review status: criteria provided, single submitter. Criteria: CeGaT Center For Human Genetics Tuebingen Variant Classification Criteria Version 2. Collection method: clinical testing. Allele origin: germline. Affected: yes. Observed: 1 variant allele.
Comment: SBF1: BP4, BP7

Labcorp Genetics (formerly Invitae), Labcorp
Classification: Likely benign. Last evaluated: 2024-03-30. Review status: criteria provided, single submitter. Criteria: Invitae Variant Classification Sherloc (09022015). Collection method: clinical testing. Allele origin: germline.

ARUP Laboratories, Molecular Genetics and Genomics, ARUP Laboratories
Classification: Likely benign. Last evaluated: 2018-02-22. Review status: criteria provided, single submitter. Criteria: ARUP Molecular Germline Variant Investigation Process. Collection method: clinical testing. Allele origin: germline.
Comment: The c.2982C>T; p.Ala994Ala variant (rs571868041) does not alter the amino acid sequence of the SBF1 protein and computational splice site prediction algorithms do not predict a change in the nearest splice site or creation of a cryptic splice site. This variant has not been reported in association with CMT in medical literature or in gene specific variation databases. This variant is listed in the genome Aggregation Database (gnomAD) with an overall population frequency of 0.008% (identified on 19 out of 245,882 chromosomes). Based on the available information, the c.2982C>T variant is likely to be benign.

Breakthrough Genomics
Classification: Likely benign. Review status: criteria provided, single submitter. Criteria: ACMG Guidelines, 2015. Collection method: not provided. Allele origin: germline. Inheritance: Autosomal recessive inheritance. Affected: yes.